The following is an entry in ClinVar:

ClinVar aggregate classification (germline): Likely benign (1 of 4 stars; one submission).

Conditions:
IFT74-related disorder. Also called: IFT74-related condition; IFT74-Related Disorders.

Submission:

PreventionGenetics, part of Exact Sciences
Classification: Likely benign for IFT74-related condition. Last evaluated: 2025-03-20. Review status: criteria provided, single submitter. Criteria: ACMG Guidelines, 2015. Collection method: clinical testing. Allele origin: germline.
Comment: This variant is classified as likely benign based on ACMG/AMP sequence variant interpretation guidelines (Richards et al. 2015 PMID: 25741868, with internal and published modifications).

NM_025103.4(IFT74):c.1044G>A (p.Glu348=)

Gene: IFT74 (intraflagellar transport 74; plus strand). Cytogenetic location: 9p21.2.
Variant type: single nucleotide variant.
Coding change: c.1044G>A on transcript NM_025103.4 (MANE Select); coding-DNA position 1044, G replaced by A.
Protein change: p.Glu348=; no amino-acid change (glutamic acid 348 retained).
Molecular consequence: synonymous variant.
Genome position (GRCh38, 1-based): chr9:27,029,094, G>A. VCF-style: chr9-27029094-G-A. GRCh37 (hg19) VCF-style: chr9-27029092-G-A.
Other names: c.1044G>A, p.Glu348= (NM_001099222.3, NM_001099223.3, NM_001099224.3 and 1 more transcripts).
Identifiers: ClinVar variation 4999993 (VCV004999993.1).
Genomic context (GRCh38, chr9:27,029,094, plus strand): 5'-TACAAAAGAAAAGATAAATCAGTTTATTGAAGAAATTAGACAACTTGACATGGATTTAGA[G>A]GAACACCAAGGTATGCTTCTGGTATTTTTATAATGTAGATTAACAGATGTTTAGCAGTAT-3'
Protein context (NP_079379.2, residues 338-358): EEIRQLDMDL[Glu348=]EHQGEMNQKY